The following is an entry in ClinVar:

NM_000481.4(AMT):c.584T>C (p.Val195Ala)

Gene: AMT (aminomethyltransferase; minus strand). Cytogenetic location: 3p21.31.
Variant type: single nucleotide variant.
Coding change: c.584T>C on transcript NM_000481.4 (MANE Select); coding-DNA position 584, T replaced by C.
Protein change: p.Val195Ala; replaces valine 195 with alanine.
Molecular consequence: missense variant. On other transcripts: non-coding transcript variant (1).
Genome position (GRCh38, 1-based): chr3:49,419,372, A>G on the plus strand (T>C on the coding strand, the complement: AMT is on the minus strand). VCF-style: chr3-49419372-A-G. GRCh37 (hg19) VCF-style: chr3-49456805-A-G.
Other names: c.452T>C, p.Val151Ala (NM_001164710.2); c.416T>C, p.Val139Ala (NM_001164711.2); c.584T>C, p.Val195Ala (NM_001164712.2); short protein forms V139A, V195A, V151A.
Identifiers: ClinVar variation 841055 (VCV000841055.6), dbSNP rs752740839, ClinGen allele CA2398304.

ClinVar aggregate classification (germline): Uncertain significance. Review status: criteria provided, single submitter (1 of 4 stars). 2 submissions from 2 submitters: Uncertain significance (1). 1 of the submissions does not count toward it. Last evaluated 2021-09-26.

Conditions:
Glycine encephalopathy. Also called: Nonketotic hyperglycinemia; Non-ketotic hyperglycinemia. Identifiers: Orphanet 407, MedGen C0751748, MONDO:0011612, HP:0008288.

Allele frequency attached by ClinVar (database versions not stated): ExAC 0.00001; gnomAD exomes 0.00001 and 0.00002; gnomAD 0.00002; TOPMed 0.00002.
gnomAD v4.1: 10 of 1,614,036 alleles (0.00062%); highest among the groups gnomAD compares: Admixed American, 0.015%; no homozygotes.

Submissions (2):

Labcorp Genetics (formerly Invitae), Labcorp
Classification: Uncertain significance for Glycine encephalopathy. Last evaluated: 2021-09-26. Review status: criteria provided, single submitter. Criteria: Invitae Variant Classification Sherloc (09022015). Collection method: clinical testing. Allele origin: germline.
Comment: This sequence change replaces valine with alanine at codon 195 of the AMT protein (p.Val195Ala). The valine residue is moderately conserved and there is a small physicochemical difference between valine and alanine. This variant is present in population databases (rs752740839, ExAC 0.009%). This variant has not been reported in the literature in individuals affected with AMT-related conditions. Algorithms developed to predict the effect of missense changes on protein structure and function (SIFT, PolyPhen-2, Align-GVGD) all suggest that this variant is likely to be tolerated. In summary, the available evidence is currently insufficient to determine the role of this variant in disease. Therefore, it has been classified as a Variant of Uncertain Significance.

Natera, Inc.
Classification: Uncertain significance for Non-ketotic hyperglycinemia. Last evaluated: 2020-10-15. Review status: no assertion criteria provided. Collection method: clinical testing. Allele origin: germline. Not counted in ClinVar's aggregate classification.